The following is an entry in ClinVar:

NM_000170.3(GLDC):c.1094T>C (p.Leu365Pro)

Gene: GLDC (glycine decarboxylase; minus strand). Cytogenetic location: 9p24.1.
Variant type: single nucleotide variant.
Coding change: c.1094T>C on transcript NM_000170.3 (MANE Select); coding-DNA position 1094, T replaced by C.
Protein change: p.Leu365Pro; replaces leucine 365 with proline.
Molecular consequence: missense variant.
Genome position (GRCh38, 1-based): chr9:6,602,170, A>G on the plus strand (T>C on the coding strand, the complement: GLDC is on the minus strand). VCF-style: chr9-6602170-A-G. GRCh37 (hg19) VCF-style: chr9-6602170-A-G.
Other names: short protein forms L365P.
Identifiers: ClinVar variation 1979837 (VCV001979837.5), dbSNP rs868425603, ClinGen allele CA188679825.

ClinVar aggregate classification (germline): Uncertain significance. Review status: criteria provided, multiple submitters, no conflicts (2 of 4 stars). 2 submissions from 2 submitters: Uncertain significance (2). Last evaluated 2024-06-11.

Conditions:
Glycine encephalopathy. Also called: Nonketotic hyperglycinemia; Non-ketotic hyperglycinemia. Identifiers: Orphanet 407, MedGen C0751748, MONDO:0011612, HP:0008288.

Allele frequency attached by ClinVar (database versions not stated): gnomAD 0.00001; TOPMed 0.00001.
gnomAD v4.1: 2 of 1,613,032 alleles (0.00012%); highest among the groups gnomAD compares: Admixed American, 0.0017%; no homozygotes.

Submissions (2):

GeneDx
Classification: Uncertain significance. Last evaluated: 2024-06-11. Review status: criteria provided, single submitter. Criteria: GeneDx Variant Classification Process June 2021. Collection method: clinical testing. Allele origin: germline. Affected: yes.
Comment: Not observed at significant frequency in large population cohorts (gnomAD); In silico analysis supports that this missense variant has a deleterious effect on protein structure/function; Has not been previously published as pathogenic or benign to our knowledge

Labcorp Genetics (formerly Invitae), Labcorp
Classification: Uncertain significance for Glycine encephalopathy. Last evaluated: 2022-06-25. Review status: criteria provided, single submitter. Criteria: Invitae Variant Classification Sherloc (09022015). Collection method: clinical testing. Allele origin: germline.
Comment: In summary, the available evidence is currently insufficient to determine the role of this variant in disease. Therefore, it has been classified as a Variant of Uncertain Significance. Advanced modeling of protein sequence and biophysical properties (such as structural, functional, and spatial information, amino acid conservation, physicochemical variation, residue mobility, and thermodynamic stability) performed at Invitae indicates that this missense variant is expected to disrupt GLDC protein function. This variant has not been reported in the literature in individuals affected with GLDC-related conditions. This variant is not present in population databases (gnomAD no frequency). This sequence change replaces leucine, which is neutral and non-polar, with proline, which is neutral and non-polar, at codon 365 of the GLDC protein (p.Leu365Pro).